The following is an entry in ClinVar:

NM_000388.4(CASR):c.1842C>G (p.Ile614Met)

Gene: CASR (calcium sensing receptor; plus strand). Cytogenetic location: 3q21.1.
Variant type: single nucleotide variant.
Coding change: c.1842C>G on transcript NM_000388.4 (MANE Select); coding-DNA position 1842, C replaced by G.
Protein change: p.Ile614Met; replaces isoleucine 614 with methionine.
Molecular consequence: missense variant.
Genome position (GRCh38, 1-based): chr3:122,283,796, C>G. VCF-style: chr3-122283796-C-G. GRCh37 (hg19) VCF-style: chr3-122002643-C-G.
Other names: c.1872C>G, p.Ile624Met (NM_001178065.2); short protein forms I614M, I624M.
Identifiers: ClinVar variation 941666 (VCV000941666.14), dbSNP rs199513106, ClinGen allele CA82748583.
Genomic context (GRCh38, chr3:122,283,796, plus strand): 5'-CCACACCTCCTGCATTGCCAAGGAGATCGAGTTTCTGTCGTGGACGGAGCCCTTTGGGAT[C>G]GCACTCACCCTCTTTGCCGTGCTGGGCATTTTCCTGACAGCCTTTGTGCTGGGTGTGTTT-3'
Protein context (NP_000379.3, residues 604-624): EFLSWTEPFG[Ile614Met]ALTLFAVLGI

ClinVar aggregate classification (germline): Uncertain significance. Review status: criteria provided, multiple submitters, no conflicts (2 of 4 stars). 4 submissions from 4 submitters: Uncertain significance (4). Last evaluated 2024-04-05.

Conditions:
Nephrolithiasis/nephrocalcinosis. Identifiers: MedGen CN580796.
Neonatal severe primary hyperparathyroidism. Identifiers: Orphanet 417, MedGen C1832615, MONDO:0009397, OMIM 239200.
Epilepsy, idiopathic generalized, susceptibility to, 8. Identifiers: MedGen C2752062, MONDO:0013032, OMIM 612899.
Autosomal dominant hypocalcemia 1 (HYPOC1). Also called: HYPOCALCEMIA, FAMILIAL. Identifiers: MedGen C3715128, MONDO:0011013, OMIM 601198.
Familial hypocalciuric hypercalcemia 1. Also called: Hypercalcemia, familial benign type 1. Identifiers: Orphanet 405, Orphanet 93372, MedGen C0342637, MONDO:0007791, OMIM 145980.
Familial hypocalciuric hypercalcemia (FHH). Also called: Familial benign hypercalcemia. Identifiers: Orphanet 405, MedGen C1809471, MONDO:0018458.

Allele frequency attached by ClinVar (database versions not stated): TOPMed 0.00001.
gnomAD v4.1: 14 of 1,614,034 alleles (0.00087%); highest among the groups gnomAD compares: Non-Finnish European, 0.0012%; no homozygotes.

Submissions (4):

Labcorp Genetics (formerly Invitae), Labcorp
Classification: Uncertain significance for Familial hypocalciuric hypercalcemia; Autosomal dominant hypocalcemia 1. Last evaluated: 2024-04-05. Review status: criteria provided, single submitter. Criteria: Invitae Variant Classification Sherloc (09022015). Collection method: clinical testing. Allele origin: germline.
Comment: This sequence change replaces isoleucine, which is neutral and non-polar, with methionine, which is neutral and non-polar, at codon 614 of the CASR protein (p.Ile614Met). This variant is not present in population databases (gnomAD no frequency). This variant has not been reported in the literature in individuals affected with CASR-related conditions. ClinVar contains an entry for this variant (Variation ID: 941666). An algorithm developed to predict the effect of missense changes on protein structure and function (PolyPhen-2) suggests that this variant is likely to be disruptive. In summary, the available evidence is currently insufficient to determine the role of this variant in disease. Therefore, it has been classified as a Variant of Uncertain Significance.

Ambry Genetics
Classification: Uncertain significance for Nephrolithiasis/nephrocalcinosis. Last evaluated: 2023-09-09. Review status: criteria provided, single submitter. Criteria: Ambry Variant Classification Scheme 2023. Collection method: clinical testing. Allele origin: germline.
Comment: The p.I614M variant (also known as c.1842C>G), located in coding exon 6 of the CASR gene, results from a C to G substitution at nucleotide position 1842. The isoleucine at codon 614 is replaced by methionine, an amino acid with highly similar properties. This amino acid position is conserved. In addition, this alteration is predicted to be deleterious by in silico analysis. Since supporting evidence is limited at this time, the clinical significance of this alteration remains unclear.

Fulgent Genetics
Classification: Uncertain significance for Familial hypocalciuric hypercalcemia 1; Neonatal severe primary hyperparathyroidism; Autosomal dominant hypocalcemia 1; Epilepsy, idiopathic generalized, susceptibility to, 8. Last evaluated: 2022-01-26. Review status: criteria provided, single submitter. Criteria: ACMG Guidelines, 2015. Collection method: clinical testing. Allele origin: unknown.

Blueprint Genetics
Classification: Uncertain significance. Last evaluated: 2021-08-04. Review status: criteria provided, single submitter. Criteria: ACMG Guidelines, 2015. Collection method: clinical testing. Allele origin: germline.